The following is an entry in ClinVar:

NM_001101426.4(CRPPA):c.52C>G (p.Leu18Val)

Genes: CRPPA (CDP-L-ribitol pyrophosphorylase A; minus strand), LOC129998005 (ATAC-STARR-seq lymphoblastoid silent region 17982; plus strand). Cytogenetic location: 7p21.2.
Variant type: single nucleotide variant.
Coding change: c.52C>G on transcript NM_001101426.4 (MANE Select); coding-DNA position 52, C replaced by G.
Protein change: p.Leu18Val; replaces leucine 18 with valine.
Molecular consequence: missense variant. On other transcripts: non-coding transcript variant (1).
Genome position (GRCh38, 1-based): chr7:16,421,271, G>C on the plus strand (C>G on the coding strand, the complement: CRPPA is on the minus strand). VCF-style: chr7-16421271-G-C. GRCh37 (hg19) VCF-style: chr7-16460896-G-C.
Other names: c.52C>G, p.Leu18Val (NM_001101417.4, NM_001368197.1); short protein forms L18V.
Identifiers: ClinVar variation 1680817 (VCV001680817.6), dbSNP rs886043287, ClinGen allele CA154766872.

ClinVar aggregate classification (germline): Uncertain significance (1 of 4 stars; one submission).

Conditions:
Muscular dystrophy-dystroglycanopathy (congenital with brain and eye anomalies), type A, 7. Also called: WALKER-WARBURG SYNDROME OR MUSCLE-EYE-BRAIN DISEASE, ISPD-RELATED; Congenital muscular dystrophy-dystroglycanopathy with brain and eye anomalies, type A7. Identifiers: Orphanet 899, MedGen C3553330, MONDO:0013835, OMIM 614643.
Autosomal recessive limb-girdle muscular dystrophy type 2U. Also called: Muscular dystrophy-dystroglycanopathy (limb-girdle), type c, 7; MUSCULAR DYSTROPHY, LIMB-GIRDLE, TYPE 2U. Identifiers: Orphanet 352479, MedGen C5190987, MONDO:0014474, OMIM 616052.

gnomAD v4.1: 2 of 1,291,278 alleles (0.00015%); no homozygotes.

Submission:

Labcorp Genetics (formerly Invitae), Labcorp
Classification: Uncertain significance for Muscular dystrophy-dystroglycanopathy (congenital with brain and eye anomalies), type A, 7; Autosomal recessive limb-girdle muscular dystrophy type 2U. Last evaluated: 2022-03-18. Review status: criteria provided, single submitter. Criteria: Invitae Variant Classification Sherloc (09022015). Collection method: clinical testing. Allele origin: germline.
Comment: In summary, the available evidence is currently insufficient to determine the role of this variant in disease. Therefore, it has been classified as a Variant of Uncertain Significance. Algorithms developed to predict the effect of sequence changes on RNA splicing suggest that this variant may create or strengthen a splice site. Algorithms developed to predict the effect of missense changes on protein structure and function output the following: SIFT: "Tolerated"; PolyPhen-2: "Benign"; Align-GVGD: "Class C0". The valine amino acid residue is found in multiple mammalian species, which suggests that this missense change does not adversely affect protein function. This variant has not been reported in the literature in individuals affected with ISPD-related conditions. This variant is not present in population databases (gnomAD no frequency). This sequence change replaces leucine, which is neutral and non-polar, with valine, which is neutral and non-polar, at codon 18 of the ISPD protein (p.Leu18Val).